The following is an entry in ClinVar:

NM_000535.7(PMS2):c.926T>C (p.Val309Ala)

Gene: PMS2 (PMS1 homolog 2, mismatch repair system component; minus strand). Cytogenetic location: 7p22.1.
Variant type: single nucleotide variant.
Coding change: c.926T>C on transcript NM_000535.7 (MANE Select); coding-DNA position 926, T replaced by C.
Protein change: p.Val309Ala; replaces valine 309 with alanine.
Molecular consequence: missense variant. On other transcripts: 5 prime UTR variant (2), non-coding transcript variant (1), intron variant (1).
Genome position (GRCh38, 1-based): chr7:5,992,035, A>G on the plus strand (T>C on the coding strand, the complement: PMS2 is on the minus strand). VCF-style: chr7-5992035-A-G. GRCh37 (hg19) VCF-style: chr7-6031666-A-G.
Other names: c.617T>C, p.Val206Ala (NM_001406877.1, NM_001406878.1, NM_001406879.1 and 6 more transcripts); c.608T>C, p.Val203Ala (NM_001406883.1, NM_001406901.1, NM_001406902.1 and 4 more transcripts); c.758T>C, p.Val253Ala (NM_001406884.1, NM_001406874.1); c.590T>C, p.Val197Ala (NM_001406885.1); c.560T>C, p.Val187Ala (NM_001406886.1); c.521T>C, p.Val174Ala (NM_001406896.1, NM_001406897.1, NM_001406898.1 and 19 more transcripts); c.413T>C, p.Val138Ala (NM_001406904.1, NM_001406905.1); c.950T>C, p.Val317Ala (NM_001406868.1); and 8 more; short protein forms V273A, V317A, V371A, V197A, V206A, V253A, V138A, V174A.
Identifiers: ClinVar variation 3699919 (VCV003699919.2).

ClinVar aggregate classification (germline): Uncertain significance (1 of 4 stars; one submission).

Conditions:
Hereditary nonpolyposis colorectal neoplasms. Identifiers: MedGen C0009405, MeSH D003123.

Submission:

Labcorp Genetics (formerly Invitae), Labcorp
Classification: Uncertain significance for Hereditary nonpolyposis colorectal neoplasms. Last evaluated: 2024-02-24. Review status: criteria provided, single submitter. Criteria: Invitae Variant Classification Sherloc (09022015). Collection method: clinical testing. Allele origin: germline.
Comment: This sequence change replaces valine, which is neutral and non-polar, with alanine, which is neutral and non-polar, at codon 309 of the PMS2 protein (p.Val309Ala). This variant is not present in population databases (gnomAD no frequency). This variant has not been reported in the literature in individuals affected with PMS2-related conditions. Advanced modeling of protein sequence and biophysical properties (such as structural, functional, and spatial information, amino acid conservation, physicochemical variation, residue mobility, and thermodynamic stability) has been performed at Invitae for this missense variant, however the output from this modeling did not meet the statistical confidence thresholds required to predict the impact of this variant on PMS2 protein function. In summary, the available evidence is currently insufficient to determine the role of this variant in disease. Therefore, it has been classified as a Variant of Uncertain Significance.